The following is an entry in ClinVar:

NM_020458.4(TTC7A):c.416A>G (p.Asp139Gly)

Gene: TTC7A (tetratricopeptide repeat domain 7A; plus strand). Cytogenetic location: 2p21.
Variant type: single nucleotide variant.
Coding change: c.416A>G on transcript NM_020458.4 (MANE Select); coding-DNA position 416, A replaced by G.
Protein change: p.Asp139Gly; replaces aspartic acid 139 with glycine.
Molecular consequence: missense variant. On other transcripts: 5 prime UTR variant (1).
Genome position (GRCh38, 1-based): chr2:46,956,906, A>G. VCF-style: chr2-46956906-A-G. GRCh37 (hg19) VCF-style: chr2-47184045-A-G.
Other names: c.416A>G, p.Asp139Gly (NM_001288951.2); c.314A>G, p.Asp105Gly (NM_001288953.2); c.-489A>G (NM_001288955.2); short protein forms D139G, D105G.
Identifiers: ClinVar variation 2016882 (VCV002016882.4), dbSNP rs2466282364, ClinGen allele CA346718689.

ClinVar aggregate classification (germline): Uncertain significance (1 of 4 stars; one submission).

Conditions:
Multiple gastrointestinal atresias. Also called: FAMILIAL INTESTINAL POLYATRESIA SYNDROME; Multiple intestinal atresia. Identifiers: Orphanet 2300, MedGen C0220744, MONDO:0009465.

Submission:

Labcorp Genetics (formerly Invitae), Labcorp
Classification: Uncertain significance for Multiple gastrointestinal atresias. Last evaluated: 2022-11-15. Review status: criteria provided, single submitter. Criteria: Invitae Variant Classification Sherloc (09022015). Collection method: clinical testing. Allele origin: germline.
Comment: This sequence change replaces aspartic acid, which is acidic and polar, with glycine, which is neutral and non-polar, at codon 139 of the TTC7A protein (p.Asp139Gly). This variant is not present in population databases (gnomAD no frequency). This variant has not been reported in the literature in individuals affected with TTC7A-related conditions. Advanced modeling of protein sequence and biophysical properties (such as structural, functional, and spatial information, amino acid conservation, physicochemical variation, residue mobility, and thermodynamic stability) performed at Invitae indicates that this missense variant is expected to disrupt TTC7A protein function. In summary, the available evidence is currently insufficient to determine the role of this variant in disease. Therefore, it has been classified as a Variant of Uncertain Significance.